The following is an entry in ClinVar:

NM_021830.5(TWNK):c.1736C>T (p.Ala579Val)

Gene: TWNK (twinkle mtDNA helicase; plus strand). Cytogenetic location: 10q24.31.
Variant type: single nucleotide variant.
Coding change: c.1736C>T on transcript NM_021830.5 (MANE Select); coding-DNA position 1736, C replaced by T.
Protein change: p.Ala579Val; replaces alanine 579 with valine.
Molecular consequence: missense variant. On other transcripts: non-coding transcript variant (5), 3 prime UTR variant (2).
Genome position (GRCh38, 1-based): chr10:100,993,191, C>T. VCF-style: chr10-100993191-C-T. GRCh37 (hg19) VCF-style: chr10-102752948-C-T.
Other names: c.*31C>T (NM_001163812.2, NM_001163814.2); c.374C>T, p.Ala125Val (NM_001163813.2, NM_001368275.1); short protein forms A125V, A579V.
Identifiers: ClinVar variation 3678123 (VCV003678123.2).
Genomic context (GRCh38, chr10:100,993,191, plus strand): 5'-TTCTGCTTTGCTCATGTCCTCTTACTCCTGCTTTCCTCCTTCTGCCCCCTGTTCCCCAGG[C>T]AAGCCAGGAAGCAGACAATGTTCTGATCCTGCAGGACAGGAAGCTGGTAACCGGGCCAGG-3'
Protein context (NP_068602.2, residues 569-589): QTASIFGSAK[Ala579Val]SQEADNVLIL

ClinVar aggregate classification (germline): Uncertain significance (1 of 4 stars; one submission).

gnomAD v4.1: 3 of 1,614,140 alleles (0.00019%); highest among the groups gnomAD compares: Non-Finnish European, 0.00025%; no homozygotes.

Submission:

Labcorp Genetics (formerly Invitae), Labcorp
Classification: Uncertain significance. Last evaluated: 2025-04-08. Review status: criteria provided, single submitter. Criteria: Invitae Variant Classification Sherloc (09022015). Collection method: clinical testing. Allele origin: germline.
Comment: This sequence change replaces alanine, which is neutral and non-polar, with valine, which is neutral and non-polar, at codon 579 of the TWNK protein (p.Ala579Val). This variant is present in population databases (no rsID available, gnomAD 0.0009%). This variant has not been reported in the literature in individuals affected with TWNK-related conditions. ClinVar contains an entry for this variant (Variation ID: 3678123). An algorithm developed to predict the effect of missense changes on protein structure and function (PolyPhen-2) suggests that this variant is likely to be tolerated. In summary, the available evidence is currently insufficient to determine the role of this variant in disease. Therefore, it has been classified as a Variant of Uncertain Significance.